The following is an entry in ClinVar:

NM_017777.4(MKS1):c.261+7C>T

Gene: MKS1 (MKS transition zone complex subunit 1; minus strand). Cytogenetic location: 17q22.
Variant type: single nucleotide variant.
Coding change: c.261+7C>T on transcript NM_017777.4 (MANE Select); 7 bases into the intron after coding-DNA position 261, C replaced by T.
Molecular consequence: intron variant.
Genome position (GRCh38, 1-based): chr17:58,216,659, G>A on the plus strand (C>T on the coding strand, the complement: MKS1 is on the minus strand). VCF-style: chr17-58216659-G-A. GRCh37 (hg19) VCF-style: chr17-56294020-G-A.
Other names: c.-251+7C>T (NM_001321268.2); c.261+7C>T (NM_001330397.2, NM_001321269.2).
Identifiers: ClinVar variation 497948 (VCV000497948.17), dbSNP rs200156751, ClinGen allele CA8669594.

ClinVar aggregate classification (germline): Conflicting classifications of pathogenicity. Review status: criteria provided, conflicting classifications (1 of 4 stars). 5 submissions from 5 submitters: Uncertain significance (1); Benign (1); Likely benign (2). 1 of the submissions does not count toward it. Last evaluated 2026-01-24.

Conditions:
Meckel-Gruber syndrome. Also called: DYSENCEPHALIA SPLANCHNOCYSTICA; GRUBER SYNDROME; Dysencephalia splachnocystica. Identifiers: Orphanet 564, MedGen C0265215, MONDO:0018921.
Joubert syndrome. Also called: Familial aplasia of the vermis; JOUBERT-BOLTSHAUSER SYNDROME. Identifiers: Orphanet 475, MedGen C5979921, MONDO:0018772.
Meckel syndrome, type 1 (MKS1). Also called: MECKEL-GRUBER SYNDROME, TYPE 1. Identifiers: Orphanet 564, MedGen C3714506, MONDO:0009571, OMIM 249000.

Allele frequency attached by ClinVar (database versions not stated): gnomAD exomes 0.00011 and 0.00020; ExAC 0.00025; 1000 Genomes Project 0.00060; 1000 Genomes Project 30x 0.00062; ESP Exome Variant Server 0.00089; gnomAD 0.00109 and 0.00117; TOPMed 0.00116.
gnomAD v4.1: 324 of 1,613,992 alleles (0.02%); highest among the groups gnomAD compares: African/African-American, 0.42%; 1 homozygote.

Submissions (5):

Labcorp Genetics (formerly Invitae), Labcorp
Classification: Benign for Joubert syndrome; Meckel-Gruber syndrome. Last evaluated: 2026-01-24. Review status: criteria provided, single submitter. Criteria: Invitae Variant Classification Sherloc (09022015). Collection method: clinical testing. Allele origin: germline.

Blueprint Genetics
Classification: Likely benign. Last evaluated: 2022-10-31. Review status: criteria provided, single submitter. Criteria: ACMG Guidelines, 2015. Collection method: clinical testing. Allele origin: germline.

Eurofins Ntd Llc (ga)
Classification: Uncertain significance. Last evaluated: 2018-06-14. Review status: criteria provided, single submitter. Criteria: EGL ClinVar v180209 classification definitions. Collection method: clinical testing. Allele origin: germline. Observed: 7 variant alleles, 7 heterozygotes.

GeneDx
Classification: Likely benign. Last evaluated: 2017-06-22. Review status: criteria provided, single submitter. Criteria: GeneDx Variant Classification (06012015). Collection method: clinical testing. Allele origin: germline. Affected: yes.
Comment: This variant is considered likely benign or benign based on one or more of the following criteria: it is a conservative change, it occurs at a poorly conserved position in the protein, it is predicted to be benign by multiple in silico algorithms, and/or has population frequency not consistent with disease.

Natera, Inc.
Classification: Likely benign for Meckel syndrome type 1. Last evaluated: 2020-07-30. Review status: no assertion criteria provided. Collection method: clinical testing. Allele origin: germline. Not counted in ClinVar's aggregate classification.